The following is an entry in ClinVar:

ClinVar aggregate classification (germline): Benign. Review status: criteria provided, single submitter (1 of 4 stars). 2 submissions from 1 submitter: Benign (2). Last evaluated 2018-01-12.

Conditions:
Craniometaphyseal dysplasia, autosomal dominant (CMDD). Identifiers: Orphanet 1522, MedGen C1852502, MONDO:0007397, OMIM 123000.
Chondrocalcinosis 2. Also called: CALCIUM GOUT; CALCIUM PYROPHOSPHATE ARTHROPATHY; Familial calcium pyrophosphate deposition. Identifiers: Orphanet 1416, MedGen C0856830, MONDO:0007319, OMIM 118600.

Allele frequency attached by ClinVar (database versions not stated): 1000 Genomes Project 30x 0.00375; 1000 Genomes Project 0.00419; TOPMed 0.00892; gnomAD 0.00924 and 0.00949.

Submissions (2):

Illumina Laboratory Services, Illumina
Classification: Benign for Chondrocalcinosis 2. Last evaluated: 2018-01-12. Review status: criteria provided, single submitter. Criteria: ICSL Variant Classification Criteria 13 December 2019. Collection method: clinical testing. Allele origin: germline.
Comment: This variant was observed in the ICSL laboratory as part of a predisposition screen in an ostensibly healthy population. It had not been previously curated by ICSL or reported in the Human Gene Mutation Database (HGMD: prior to June 1st, 2018), and was therefore a candidate for classification through an automated scoring system. Utilizing variant allele frequency, disease prevalence and penetrance estimates, and inheritance mode, an automated score was calculated to assess if this variant is too frequent to cause the disease. Based on the score and internal cut-off values, a variant classified as benign is not then subjected to further curation. The score for this variant resulted in a classification of benign for this disease.

Illumina Laboratory Services, Illumina
Classification: Benign for Craniometaphyseal dysplasia, autosomal dominant. Last evaluated: 2018-01-12. Review status: criteria provided, single submitter. Criteria: ICSL Variant Classification Criteria 13 December 2019. Collection method: clinical testing. Allele origin: germline.
Comment: the same text as in the submission from Illumina Laboratory Services, Illumina above.

NM_054027.6(ANKH):c.*4513G>A

Genes: ANKH (ANKH inorganic pyrophosphate transport regulator; minus strand), OTULIN (OTU deubiquitinase with linear linkage specificity; plus strand). Cytogenetic location: 5p15.2.
Variant type: single nucleotide variant.
Coding change: c.*4513G>A on transcript NM_054027.6 (MANE Select); 4513 bases downstream of the stop codon, G replaced by A.
Molecular consequence: 3 prime UTR variant.
Genome position (GRCh38, 1-based): chr5:14,706,684, C>T on the plus strand (G>A on the coding strand, the complement: ANKH is on the minus strand). VCF-style: chr5-14706684-C-T. GRCh37 (hg19) VCF-style: chr5-14706793-C-T.
Identifiers: ClinVar variation 351413 (VCV000351413.5), dbSNP rs148211290, ClinGen allele CA10622980.